The following is an entry in ClinVar:

ClinVar aggregate classification (germline): Uncertain significance (1 of 4 stars; one submission).

Conditions:
Spondyloenchondrodysplasia with immune dysregulation (SPENCDI). Also called: ROIFMAN IMMUNOSKELETAL SYNDROME; SPONDYLOENCHONDRODYSPLASIA WITH OR WITHOUT IMMUNE DYSREGULATION; COMBINED IMMUNODEFICIENCY WITH AUTOIMMUNITY AND SPONDYLOMETAPHYSEAL DYSPLASIA. Identifiers: Orphanet 1855, MedGen C1842763, MONDO:0011939, OMIM 607944.

Submission:

Labcorp Genetics (formerly Invitae), Labcorp
Classification: Uncertain significance for Spondyloenchondrodysplasia with immune dysregulation. Last evaluated: 2022-06-22. Review status: criteria provided, single submitter. Criteria: Invitae Variant Classification Sherloc (09022015). Collection method: clinical testing. Allele origin: germline.
Comment: This sequence change replaces valine, which is neutral and non-polar, with leucine, which is neutral and non-polar, at codon 208 of the ACP5 protein (p.Val208Leu). In summary, the available evidence is currently insufficient to determine the role of this variant in disease. Therefore, it has been classified as a Variant of Uncertain Significance. Algorithms developed to predict the effect of missense changes on protein structure and function are either unavailable or do not agree on the potential impact of this missense change (SIFT: "Not Available"; PolyPhen-2: "Benign"; Align-GVGD: "Not Available"). This variant has not been reported in the literature in individuals affected with ACP5-related conditions. The frequency data for this variant in the population databases is considered unreliable, as metrics indicate poor data quality at this position in the gnomAD database.

NM_001611.5(ACP5):c.622G>T (p.Val208Leu)

Gene: ACP5 (acid phosphatase 5, tartrate resistant; minus strand). Cytogenetic location: 19p13.2.
Variant type: single nucleotide variant.
Coding change: c.622G>T on transcript NM_001611.5 (MANE Select); coding-DNA position 622, G replaced by T.
Protein change: p.Val208Leu; replaces valine 208 with leucine.
Molecular consequence: missense variant.
Genome position (GRCh38, 1-based): chr19:11,576,356, C>A on the plus strand (G>T on the coding strand, the complement: ACP5 is on the minus strand). VCF-style: chr19-11576356-C-A. GRCh37 (hg19) VCF-style: chr19-11687171-C-A.
Other names: c.622G>T, p.Val208Leu (NM_001111034.3, NM_001111035.3, NM_001111036.3 and 1 more transcripts); short protein forms V208L.
Identifiers: ClinVar variation 1955046 (VCV001955046.3), dbSNP rs535257196, ClinGen allele CA404146453.